The following is an entry in ClinVar:

NM_007186.6(CEP250):c.2388dup (p.Val797fs)

Genes: CEP250 (centrosomal protein 250; plus strand), CEP250-AS1 (CEP250 antisense RNA 1; minus strand). Cytogenetic location: 20q11.22.
Variant type: Duplication.
Coding change: c.2388dup on transcript NM_007186.6 (MANE Select); coding-DNA position 2388, one base duplicated (T; older notation c.2388dupT).
Protein change: p.Val797fs; shifts the reading frame from valine 797.
Molecular consequence: frameshift variant.
Genome position (GRCh38, 1-based): chr20:35,479,745, T duplicated. VCF-style (leftmost placement, unchanged base first): chr20-35479744-C-CT. GRCh37 (hg19) VCF-style: chr20-34067569-C-CT.
Other names: c.492dup, p.Val165fs (NM_001318219.1); short protein forms V165fs, V797fs.
Identifiers: ClinVar variation 1075845 (VCV001075845.7), dbSNP rs1398367764, ClinGen allele CA635722201.

ClinVar aggregate classification (germline): Pathogenic (1 of 4 stars; one submission).

Allele frequency attached by ClinVar (database versions not stated): gnomAD exomes below 0.00001.

Submission:

Labcorp Genetics (formerly Invitae), Labcorp
Classification: Pathogenic. Last evaluated: 2025-12-22. Review status: criteria provided, single submitter. Criteria: Invitae Variant Classification Sherloc (09022015). Collection method: clinical testing. Allele origin: germline.
Comment: This sequence change creates a premature translational stop signal (p.Val797Cysfs*22) in the CEP250 gene. It is expected to result in an absent or disrupted protein product. Loss-of-function variants in CEP250 are known to be pathogenic (PMID: 24780881, 29718797). This variant is present in population databases (no rsID available, gnomAD 0.003%). This variant has not been reported in the literature in individuals affected with CEP250-related conditions. ClinVar contains an entry for this variant (Variation ID: 1075845). For these reasons, this variant has been classified as Pathogenic.

Literature cited by the submitters: PubMed 24780881; PubMed 29718797.